The following is an entry in ClinVar:

ClinVar aggregate classification (germline): Uncertain significance (1 of 4 stars; one submission).

Conditions:
PNPLA8-related disorder. Also called: PNPLA8-related condition.

gnomAD v4.1: 25 of 1,610,104 alleles (0.0016%); highest among the groups gnomAD compares: Non-Finnish European, 0.002%; no homozygotes.

Submission:

PreventionGenetics, part of Exact Sciences
Classification: Uncertain significance for PNPLA8-related condition. Last evaluated: 2022-08-23. Review status: criteria provided, single submitter. Criteria: ACMG Guidelines, 2015. Collection method: clinical testing. Allele origin: germline.
Comment: The PNPLA8 c.1033C>G variant is predicted to result in the amino acid substitution p.Arg345Gly. To our knowledge, this variant has not been reported in the literature or in a large population database, indicating this variant is rare. At this time, the clinical significance of this variant is uncertain due to the absence of conclusive functional and genetic evidence.

NM_001256007.3(PNPLA8):c.1033C>G (p.Arg345Gly)

Gene: PNPLA8 (patatin like domain 8, phospholipase A2; minus strand). Cytogenetic location: 7q31.1.
Variant type: single nucleotide variant.
Coding change: c.1033C>G on transcript NM_001256007.3 (MANE Select); coding-DNA position 1033, C replaced by G.
Protein change: p.Arg345Gly; replaces arginine 345 with glycine.
Molecular consequence: missense variant.
Genome position (GRCh38, 1-based): chr7:108,514,459, G>C on the plus strand (C>G on the coding strand, the complement: PNPLA8 is on the minus strand). VCF-style: chr7-108514459-G-C. GRCh37 (hg19) VCF-style: chr7-108154903-G-C.
Other names: c.1033C>G, p.Arg345Gly (NM_001256008.3, NM_001256009.3, NM_015723.5); c.733C>G, p.Arg245Gly (NM_001256010.3, NM_001256011.3); short protein forms R245G, R345G.
Identifiers: ClinVar variation 2636474 (VCV002636474.1), dbSNP rs199676922, ClinGen allele CA164320531.
Genomic context (GRCh38, chr7:108,514,459, plus strand): 5'-AAAGTAATAGAACCGAAAAGCACACTGAACAACTTGCCTTTTCTCGCTGAAGAGATAAAC[G>C]CTTTTTCTCCTCTGCATTTCTGTCTTTGCTGACAGCCTGATCAGTTTTAGCAGGCTCTTC-3'
Protein context (NP_001242936.1, residues 335-355): SKDRNAEEKK[Arg345Gly]LSLQREKIIA